The following is an entry in ClinVar:

ClinVar aggregate classification (germline): Uncertain significance (1 of 4 stars; one submission).

Conditions:
Idiopathic Pulmonary Fibrosis. Also called: Idiopathic fibrosing alveolitis, chronic form; idiopathic fibrosing alveolitis. Identifiers: Orphanet 2032, MedGen C1800706, MeSH D054990, MONDO:0800504.
Dyskeratosis congenita, autosomal dominant 2. Identifiers: MedGen C3151443, MONDO:0013521, OMIM 613989.

Allele frequency attached by ClinVar (database versions not stated): gnomAD exomes below 0.00001; gnomAD 0.00001; TOPMed 0.00001; ExAC 0.00002.
gnomAD v4.1: 2 of 1,591,002 alleles (0.00013%); highest among the groups gnomAD compares: Admixed American, 0.0035%; no homozygotes.

Submission:

Labcorp Genetics (formerly Invitae), Labcorp
Classification: Uncertain significance for Dyskeratosis congenita, autosomal dominant 2; Idiopathic Pulmonary Fibrosis. Last evaluated: 2025-01-27. Review status: criteria provided, single submitter. Criteria: Invitae Variant Classification Sherloc (09022015). Collection method: clinical testing. Allele origin: germline.
Comment: This sequence change replaces valine, which is neutral and non-polar, with glycine, which is neutral and non-polar, at codon 272 of the TERT protein (p.Val272Gly). This variant is present in population databases (rs753076785, gnomAD 0.003%). This variant has not been reported in the literature in individuals affected with TERT-related conditions. ClinVar contains an entry for this variant (Variation ID: 2040915). Invitae Evidence Modeling of protein sequence and biophysical properties (such as structural, functional, and spatial information, amino acid conservation, physicochemical variation, residue mobility, and thermodynamic stability) indicates that this missense variant is not expected to disrupt TERT protein function with a negative predictive value of 95%. In summary, the available evidence is currently insufficient to determine the role of this variant in disease. Therefore, it has been classified as a Variant of Uncertain Significance.

NM_198253.3(TERT):c.815T>G (p.Val272Gly)

Gene: TERT (telomerase reverse transcriptase; minus strand). Cytogenetic location: 5p15.33.
Variant type: single nucleotide variant.
Coding change: c.815T>G on transcript NM_198253.3 (MANE Select); coding-DNA position 815, T replaced by G.
Protein change: p.Val272Gly; replaces valine 272 with glycine.
Molecular consequence: missense variant. On other transcripts: non-coding transcript variant (2).
Genome position (GRCh38, 1-based): chr5:1,294,071, A>C on the plus strand (T>G on the coding strand, the complement: TERT is on the minus strand). VCF-style: chr5-1294071-A-C. GRCh37 (hg19) VCF-style: chr5-1294186-A-C.
Other names: c.815T>G, p.Val272Gly (NM_001193376.3, NM_003219.1); short protein forms V272G.
Identifiers: ClinVar variation 2040915 (VCV002040915.4), dbSNP rs753076785, ClinGen allele CA3184909.